The following is an entry in ClinVar:

ClinVar aggregate classification (germline): Uncertain significance. Review status: criteria provided, multiple submitters, no conflicts (2 of 4 stars). 5 submissions from 5 submitters: Uncertain significance (5). Last evaluated 2024-11-21.

Conditions:
Inborn genetic diseases. Identifiers: MedGen C0950123, MeSH D030342.
Primary ciliary dyskinesia 25 (CILD25). Also called: CILIARY DYSKINESIA, PRIMARY, 25, WITH OR WITHOUT SITUS INVERSUS. Identifiers: Orphanet 244, MedGen C3809641, MONDO:0014203, OMIM 615482.

Allele frequency attached by ClinVar (database versions not stated): gnomAD 0.00011 and 0.00012; ExAC 0.00015; ESP Exome Variant Server 0.00015; TOPMed 0.00017; gnomAD exomes 0.00018 and 0.00021; 1000 Genomes Project 30x 0.00031.
gnomAD v4.1: 332 of 1,613,776 alleles (0.021%); highest among the groups gnomAD compares: Middle Eastern, 0.66%; no homozygotes.

Submissions (5):

Blueprint Genetics
Classification: Uncertain significance. Last evaluated: 2024-11-21. Review status: criteria provided, single submitter. Criteria: ACMG Guidelines, 2015. Collection method: clinical testing. Allele origin: germline.

Ambry Genetics
Classification: Uncertain significance for Inborn genetic diseases. Last evaluated: 2024-08-01. Review status: criteria provided, single submitter. Criteria: Ambry Variant Classification Scheme 2023. Collection method: clinical testing. Allele origin: germline.

Revvity Omics, Revvity
Classification: Uncertain significance for Primary ciliary dyskinesia 25. Last evaluated: 2023-10-16. Review status: criteria provided, single submitter. Criteria: ACMG Guidelines, 2015. Collection method: clinical testing. Allele origin: germline.

Labcorp Genetics (formerly Invitae), Labcorp
Classification: Uncertain significance. Last evaluated: 2022-08-15. Review status: criteria provided, single submitter. Criteria: Invitae Variant Classification Sherloc (09022015). Collection method: clinical testing. Allele origin: germline.
Comment: This sequence change replaces histidine, which is basic and polar, with arginine, which is basic and polar, at codon 264 of the DNAAF4 protein (p.His264Arg). This variant is present in population databases (rs375468265, gnomAD 0.03%). This variant has not been reported in the literature in individuals affected with DNAAF4-related conditions. ClinVar contains an entry for this variant (Variation ID: 410961). Algorithms developed to predict the effect of missense changes on protein structure and function output the following: SIFT: "Tolerated"; PolyPhen-2: "Benign"; Align-GVGD: "Class C0". The arginine amino acid residue is found in multiple mammalian species, which suggests that this missense change does not adversely affect protein function. In summary, the available evidence is currently insufficient to determine the role of this variant in disease. Therefore, it has been classified as a Variant of Uncertain Significance.

Breakthrough Genomics
Classification: Uncertain significance. Review status: criteria provided, single submitter. Criteria: ACMG Guidelines, 2015. Collection method: not provided. Allele origin: germline. Inheritance: Autosomal recessive inheritance. Affected: yes.

NM_130810.4(DNAAF4):c.791A>G (p.His264Arg)

Genes: DNAAF4 (dynein axonemal assembly factor 4; minus strand), DNAAF4-CCPG1 (DNAAF4-CCPG1 readthrough (NMD candidate); minus strand). Cytogenetic location: 15q21.3.
Variant type: single nucleotide variant.
Coding change: c.791A>G on transcript NM_130810.4 (MANE Select); coding-DNA position 791, A replaced by G.
Protein change: p.His264Arg; replaces histidine 264 with arginine.
Molecular consequence: missense variant. On other transcripts: non-coding transcript variant (1).
Genome position (GRCh38, 1-based): chr15:55,439,574, T>C on the plus strand (A>G on the coding strand, the complement: DNAAF4 is on the minus strand). VCF-style: chr15-55439574-T-C. GRCh37 (hg19) VCF-style: chr15-55731772-T-C.
Other names: c.791A>G, p.His264Arg (NM_001033559.3, NM_001033560.2); short protein forms H264R.
Identifiers: ClinVar variation 410961 (VCV000410961.14), dbSNP rs375468265, ClinGen allele CA7574932.